The following is an entry in ClinVar:

NM_000540.3(RYR1):c.5053T>C (p.Cys1685Arg)

Gene: RYR1 (ryanodine receptor 1; plus strand). Cytogenetic location: 19q13.2.
Variant type: single nucleotide variant.
Coding change: c.5053T>C on transcript NM_000540.3 (MANE Select); coding-DNA position 5053, T replaced by C.
Protein change: p.Cys1685Arg; replaces cysteine 1685 with arginine.
Molecular consequence: missense variant.
Genome position (GRCh38, 1-based): chr19:38,485,708, T>C. VCF-style: chr19-38485708-T-C. GRCh37 (hg19) VCF-style: chr19-38976348-T-C.
Other names: c.5053T>C, p.Cys1685Arg (NM_001042723.2); short protein forms C1685R.
Identifiers: ClinVar variation 1912705 (VCV001912705.5), dbSNP rs774194681, ClinGen allele CA308092971.

ClinVar aggregate classification (germline): Likely pathogenic (1 of 4 stars; one submission).

Conditions:
RYR1-related disorder. Also called: RYR1-related condition; RYR1-related disorders. Identifiers: MedGen CN239331.

Allele frequency attached by ClinVar (database versions not stated): TOPMed below 0.00001.
gnomAD v4.1: 2 of 1,612,036 alleles (0.00012%); highest among the groups gnomAD compares: African/African-American, 0.0027%; no homozygotes.

Submission:

Labcorp Genetics (formerly Invitae), Labcorp
Classification: Likely pathogenic for RYR1-related disorder. Last evaluated: 2024-02-01. Review status: criteria provided, single submitter. Criteria: Invitae Variant Classification Sherloc (09022015). Collection method: clinical testing. Allele origin: germline.
Comment: This sequence change replaces cysteine, which is neutral and slightly polar, with arginine, which is basic and polar, at codon 1685 of the RYR1 protein (p.Cys1685Arg). This variant is not present in population databases (gnomAD no frequency). This variant has not been reported in the literature in individuals affected with RYR1-related conditions. ClinVar contains an entry for this variant (Variation ID: 1912705). Advanced modeling of protein sequence and biophysical properties (such as structural, functional, and spatial information, amino acid conservation, physicochemical variation, residue mobility, and thermodynamic stability) performed at Invitae indicates that this missense variant is expected to disrupt RYR1 protein function with a positive predictive value of 95%. This variant disrupts the p.Cys1685 amino acid residue in RYR1. Other variant(s) that disrupt this residue have been determined to be pathogenic (Invitae). This suggests that this residue is clinically significant, and that variants that disrupt this residue are likely to be disease-causing. In summary, the currently available evidence indicates that the variant is pathogenic, but additional data are needed to prove that conclusively. Therefore, this variant has been classified as Likely Pathogenic.